The following is an entry in ClinVar:

ClinVar aggregate classification (germline): Likely benign (1 of 4 stars; one submission).

Allele frequency attached by ClinVar (database versions not stated): gnomAD 0.00001; TOPMed 0.00001; 1000 Genomes Project 30x 0.00016.

Submission:

GeneDx
Classification: Likely benign. Last evaluated: 2016-02-22. Review status: criteria provided, single submitter. Criteria: GeneDx Variant Classification (06012015). Collection method: clinical testing. Allele origin: germline. Affected: yes.
Comment: This variant is considered likely benign or benign based on one or more of the following criteria: it is a conservative change, it occurs at a poorly conserved position in the protein, it is predicted to be benign by multiple in silico algorithms, and/or has population frequency not consistent with disease.

NM_004517.4(ILK):c.-113G>T

Genes: ILK (integrin linked kinase; plus strand), LOC130005200 (ATAC-STARR-seq lymphoblastoid silent region 3104; plus strand). Cytogenetic location: 11p15.4.
Variant type: single nucleotide variant.
Coding change: c.-113G>T on transcript NM_004517.4 (MANE Select); 113 bases upstream of the start codon, G replaced by T.
Molecular consequence: 5 prime UTR variant.
Genome position (GRCh38, 1-based): chr11:6,603,802, G>T. VCF-style: chr11-6603802-G-T. GRCh37 (hg19) VCF-style: chr11-6625032-G-T.
Other names: c.-67G>T (NM_001014794.3); c.-470G>T (NM_001014795.3); c.-113G>T (NM_001278441.2); c.-303G>T (NM_001278442.2).
Identifiers: ClinVar variation 383971 (VCV000383971.1), dbSNP rs1057521804, ClinGen allele CA16605994.